The following is an entry in ClinVar:

ClinVar aggregate classification (germline): Uncertain significance. Review status: criteria provided, multiple submitters, no conflicts (2 of 4 stars). 6 submissions from 6 submitters: Uncertain significance (4). 2 of the submissions do not count toward it. Last evaluated 2025-06-07.

Conditions:
Inborn genetic diseases. Identifiers: MedGen C0950123, MeSH D030342.
Peroxisome biogenesis disorder 5A (Zellweger) (PBD5A). Identifiers: Orphanet 912, MedGen C3553940, MONDO:0013932, OMIM 614866.
Peroxisome biogenesis disorder 5B (PBD5B). Identifiers: Orphanet 44, MedGen C3542026, MONDO:0013933, OMIM 614867.

Allele frequency attached by ClinVar (database versions not stated): TOPMed below 0.00001; gnomAD 0.00001; gnomAD exomes 0.00001 and 0.00002; ExAC 0.00004.
gnomAD v4.1: 9 of 1,613,884 alleles (0.00056%); highest among the groups gnomAD compares: Admixed American, 0.0033%; no homozygotes.

Submissions (6):

Ambry Genetics
Classification: Uncertain significance for Inborn genetic diseases. Last evaluated: 2025-06-07. Review status: criteria provided, single submitter. Criteria: Ambry Variant Classification Scheme 2023. Collection method: clinical testing. Allele origin: germline.

Blueprint Genetics
Classification: Uncertain significance. Last evaluated: 2023-07-14. Review status: criteria provided, single submitter. Criteria: ACMG Guidelines, 2015. Collection method: clinical testing. Allele origin: germline.

Labcorp Genetics (formerly Invitae), Labcorp
Classification: Uncertain significance for Peroxisome biogenesis disorder 5A (Zellweger). Last evaluated: 2022-07-12. Review status: criteria provided, single submitter. Criteria: Invitae Variant Classification Sherloc (09022015). Collection method: clinical testing. Allele origin: germline.
Comment: This sequence change replaces leucine, which is neutral and non-polar, with arginine, which is basic and polar, at codon 290 of the PEX2 protein (p.Leu290Arg). This variant is present in population databases (rs756496949, gnomAD 0.006%). This variant has not been reported in the literature in individuals affected with PEX2-related conditions. ClinVar contains an entry for this variant (Variation ID: 1297663). Algorithms developed to predict the effect of missense changes on protein structure and function are either unavailable or do not agree on the potential impact of this missense change (SIFT: "Deleterious"; PolyPhen-2: "Possibly Damaging"; Align-GVGD: "Class C0"). In summary, the available evidence is currently insufficient to determine the role of this variant in disease. Therefore, it has been classified as a Variant of Uncertain Significance.

MGZ Medical Genetics Center
Classification: Uncertain significance for Peroxisome biogenesis disorder 5B. Last evaluated: 2021-10-26. Review status: criteria provided, single submitter. Criteria: ACMG Guidelines, 2015. Collection method: clinical testing. Allele origin: germline. Affected: yes. Observed: 1 variant allele.
Comment: ACMG criteria applied: PM2_SUP, BP4

Clinical Genetics DNA and cytogenetics Diagnostics Lab, Erasmus MC, Erasmus Medical Center
Classification: Uncertain significance. Review status: no assertion criteria provided. Collection method: clinical testing. Allele origin: germline. Affected: yes. Study: VKGL Data-share Consensus. Not counted in ClinVar's aggregate classification.

Joint Genome Diagnostic Labs from Nijmegen and Maastricht, Radboudumc and MUMC+
Classification: Uncertain significance. Review status: no assertion criteria provided. Collection method: clinical testing. Allele origin: germline. Affected: yes. Study: VKGL Data-share Consensus. Not counted in ClinVar's aggregate classification.

NM_000318.3(PEX2):c.869T>G (p.Leu290Arg)

Gene: PEX2 (peroxisomal biogenesis factor 2; minus strand). Cytogenetic location: 8q21.13.
Variant type: single nucleotide variant.
Coding change: c.869T>G on transcript NM_000318.3 (MANE Select); coding-DNA position 869, T replaced by G.
Protein change: p.Leu290Arg; replaces leucine 290 with arginine.
Molecular consequence: missense variant.
Genome position (GRCh38, 1-based): chr8:76,983,310, A>C on the plus strand (T>G on the coding strand, the complement: PEX2 is on the minus strand). VCF-style: chr8-76983310-A-C. GRCh37 (hg19) VCF-style: chr8-77895546-A-C.
Other names: c.869T>G (NM_000318.2); c.869T>G, p.Leu290Arg (NM_001079867.2, NM_001172086.2, NM_001172087.2); short protein forms L290R.
Identifiers: ClinVar variation 1297663 (VCV001297663.9), dbSNP rs756496949, ClinGen allele CA4788639.